The following is an entry in ClinVar:

ClinVar aggregate classification (germline): Uncertain significance (1 of 4 stars; one submission).

Conditions:
Cardiomyopathy (CMYO). Also called: Cardiomyopathies. Identifiers: Orphanet 167848, MedGen C0878544, MONDO:0004994, HP:0001638. Inheritance: Various modes of inheritance.

gnomAD v4.1: 1 of 1,608,748 alleles (0.000062%); no homozygotes.

Submission:

Color Diagnostics, LLC DBA Color Health
Classification: Uncertain significance for Cardiomyopathy. Last evaluated: 2025-11-03. Review status: criteria provided, single submitter. Criteria: ACMG Guidelines, 2015. Collection method: clinical testing. Allele origin: germline.
Comment: This missense variant replaces cysteine with serine at codon 1485 of the RYR2 protein. Computational prediction is inconclusive regarding the impact of this variant on protein structure and function. To our knowledge, functional studies have not been reported for this variant. This variant has not been reported in individuals affected with RYR2-related disorders in the literature. This variant has been identified in 1/1456440 chromosomes in the general population by the Genome Aggregation Database (gnomAD). The available evidence is insufficient to determine the role of this variant in disease conclusively. Therefore, this variant is classified as a Variant of Uncertain Significance.

NM_001035.3(RYR2):c.4453T>A (p.Cys1485Ser)

Gene: RYR2 (ryanodine receptor 2; plus strand). Cytogenetic location: 1q43.
Variant type: single nucleotide variant.
Coding change: c.4453T>A on transcript NM_001035.3 (MANE Select); coding-DNA position 4453, T replaced by A.
Protein change: p.Cys1485Ser; replaces cysteine 1485 with serine.
Molecular consequence: missense variant.
Genome position (GRCh38, 1-based): chr1:237,595,514, T>A. VCF-style: chr1-237595514-T-A. GRCh37 (hg19) VCF-style: chr1-237758814-T-A.
Other names: short protein forms C1485S.
Identifiers: ClinVar variation 4758239 (VCV004758239.1).